The following is an entry in ClinVar:

NM_001363711.2(DUOX2):c.1688A>G (p.His563Arg)

Gene: DUOX2 (dual oxidase 2; minus strand). Cytogenetic location: 15q21.1.
Variant type: single nucleotide variant.
Coding change: c.1688A>G on transcript NM_001363711.2 (MANE Select); coding-DNA position 1688, A replaced by G.
Protein change: p.His563Arg; replaces histidine 563 with arginine.
Molecular consequence: missense variant.
Genome position (GRCh38, 1-based): chr15:45,107,350, T>C on the plus strand (A>G on the coding strand, the complement: DUOX2 is on the minus strand). VCF-style: chr15-45107350-T-C. GRCh37 (hg19) VCF-style: chr15-45399548-T-C.
Other names: c.1688A>G, p.His563Arg (NM_014080.5); short protein forms H563R.
Identifiers: ClinVar variation 1500125 (VCV001500125.8), dbSNP rs1239129968, ClinGen allele CA392274489.

ClinVar aggregate classification (germline): Uncertain significance (1 of 4 stars; one submission).

Allele frequency attached by ClinVar (database versions not stated): TOPMed below 0.00001.

Submission:

Labcorp Genetics (formerly Invitae), Labcorp
Classification: Uncertain significance. Last evaluated: 2024-01-31. Review status: criteria provided, single submitter. Criteria: Invitae Variant Classification Sherloc (09022015). Collection method: clinical testing. Allele origin: germline.
Comment: This sequence change replaces histidine, which is basic and polar, with arginine, which is basic and polar, at codon 563 of the DUOX2 protein (p.His563Arg). This variant is not present in population databases (gnomAD no frequency). This variant has not been reported in the literature in individuals affected with DUOX2-related conditions. ClinVar contains an entry for this variant (Variation ID: 1500125). Advanced modeling of protein sequence and biophysical properties (such as structural, functional, and spatial information, amino acid conservation, physicochemical variation, residue mobility, and thermodynamic stability) performed at Invitae indicates that this missense variant is not expected to disrupt DUOX2 protein function with a negative predictive value of 80%. In summary, the available evidence is currently insufficient to determine the role of this variant in disease. Therefore, it has been classified as a Variant of Uncertain Significance.